The following is an entry in ClinVar:

ClinVar aggregate classification (germline): Benign/Likely benign. Review status: criteria provided, multiple submitters, no conflicts (2 of 4 stars). 4 submissions from 4 submitters: Benign (1); Likely benign (2). 1 of the submissions does not count toward it. Last evaluated 2026-01-02.

Conditions:
NCSTN-related disorder. Also called: NCSTN-related condition.

Allele frequency attached by ClinVar (database versions not stated): gnomAD exomes 0.00010 and 0.00023; ExAC 0.00030; 1000 Genomes Project 30x 0.00031; 1000 Genomes Project 0.00040; ESP Exome Variant Server 0.00069; gnomAD 0.00127; TOPMed 0.00136.
gnomAD v4.1: 334 of 1,614,180 alleles (0.021%); highest among the groups gnomAD compares: African/African-American, 0.36%; 1 homozygote.

Submissions (4):

Labcorp Genetics (formerly Invitae), Labcorp
Classification: Benign. Last evaluated: 2026-01-02. Review status: criteria provided, single submitter. Criteria: Invitae Variant Classification Sherloc (09022015). Collection method: clinical testing. Allele origin: germline.

Blueprint Genetics
Classification: Likely benign. Last evaluated: 2024-11-13. Review status: criteria provided, single submitter. Criteria: ACMG Guidelines, 2015. Collection method: clinical testing. Allele origin: germline.

Breakthrough Genomics
Classification: Likely benign. Review status: criteria provided, single submitter. Criteria: ACMG Guidelines, 2015. Collection method: not provided. Allele origin: germline. Inheritance: Autosomal dominant inheritance. Affected: yes.

PreventionGenetics, part of Exact Sciences
Classification: Likely benign for NCSTN-related condition. Last evaluated: 2019-07-11. Review status: no assertion criteria provided. Collection method: clinical testing. Allele origin: germline. Not counted in ClinVar's aggregate classification.
Comment: This variant is classified as likely benign based on ACMG/AMP sequence variant interpretation guidelines (Richards et al. 2015 PMID: 25741868, with internal and published modifications).

NM_015331.3(NCSTN):c.210A>G (p.Thr70=)

Gene: NCSTN (nicastrin; plus strand). Cytogenetic location: 1q23.2.
Variant type: single nucleotide variant.
Coding change: c.210A>G on transcript NM_015331.3 (MANE Select); coding-DNA position 210, A replaced by G.
Protein change: p.Thr70=; no amino-acid change (threonine 70 retained).
Molecular consequence: synonymous variant.
Genome position (GRCh38, 1-based): chr1:160,349,018, A>G. VCF-style: chr1-160349018-A-G. GRCh37 (hg19) VCF-style: chr1-160318808-A-G.
Other names: c.210A>G (NM_015331.2); c.150A>G, p.Thr50= (NM_001290184.2); c.210A>G, p.Thr70= (NM_001290186.2, NM_001349729.2).
Identifiers: ClinVar variation 1164574 (VCV001164574.13), dbSNP rs140668578, ClinGen allele CA1198637.
Genomic context (GRCh38, chr1:160,349,018, plus strand): 5'-TAACTATGGGAGCTTTAATTTGACTCATTCTGTCCTGGCAGCTTCAATTAGTGGAGACAC[A>G]GGGGTTATCCACGTAGTAGAGAAAGAGGAGGACCTACAGTGGGTATTGACTGATGGCCCC-3'
Protein context (NP_056146.1, residues 60-80): IGCQSSISGD[Thr70=]GVIHVVEKEE